The following is an entry in ClinVar:

ClinVar aggregate classification (germline): Likely pathogenic (0 of 4 stars; one submission).

Conditions:
Mandibulofacial dysostosis-microcephaly syndrome (MFDGA). Also called: Mandibulofacial dysostosis, Guion-Almeida type; Growth and mental retardation, mandibulofacial dysostosis, microcephaly, and cleft palate. Identifiers: Orphanet 79113, MedGen C1864652, MONDO:0012516, OMIM 610536.

Submission:

UO Genetica Medica, University of Bologna
Classification: Likely pathogenic for Mandibulofacial dysostosis-microcephaly syndrome. Last evaluated: 2022-11-03. Review status: no assertion criteria provided. Collection method: provider interpretation. Allele origin: de novo. Inheritance: Autosomal dominant inheritance. Affected: yes. Observed: 1 heterozygote.
Comment: The variant hits the splicing site damaging the function of the gene.

NM_004247.4(EFTUD2):c.1286-2del

Gene: EFTUD2 (elongation factor Tu GTP binding domain containing 2; minus strand). Cytogenetic location: 17q21.31.
Variant type: Deletion.
Coding change: c.1286-2del on transcript NM_004247.4 (MANE Select); the canonical splice acceptor site of the intron before coding-DNA position 1286, one base deleted (A; older notation c.1286-2delA).
Molecular consequence: splice acceptor variant.
Genome position (GRCh38, 1-based): chr17:44,863,784, T deleted on the plus strand (A on the coding strand, the reverse complement: EFTUD2 is on the minus strand). VCF-style (leftmost placement, unchanged base first): chr17-44863783-CT-C. GRCh37 (hg19) VCF-style: chr17-42941151-CT-C.
Other names: c.1181-2del (NM_001142605.2); c.1256-2del (NM_001258354.2); c.1286-2del (NM_001258353.2).
Identifiers: ClinVar variation 1727257 (VCV001727257.3), dbSNP rs2508767298, ClinGen allele CA2580093916.